The following is an entry in ClinVar:

ClinVar aggregate classification (germline): Uncertain significance (1 of 4 stars; one submission).

Allele frequency attached by ClinVar (database versions not stated): ESP Exome Variant Server 0.00008; 1000 Genomes Project 30x 0.00016; 1000 Genomes Project 0.00020.
gnomAD v4.1: 63 of 1,613,054 alleles (0.0039%); highest among the groups gnomAD compares: African/African-American, 0.031%; no homozygotes.

Submission:

Ambry Genetics
Classification: Uncertain significance. Last evaluated: 2022-12-14. Review status: criteria provided, single submitter. Criteria: Ambry Variant Classification Scheme 2023. Collection method: clinical testing. Allele origin: germline.
Comment: The p.R2347H variant (also known as c.7040G>A), located in coding exon 25 of the POLQ gene, results from a G to A substitution at nucleotide position 7040. The arginine at codon 2347 is replaced by histidine, an amino acid with highly similar properties. This amino acid position is conserved. In addition, the in silico prediction for this alteration is inconclusive. Since supporting evidence is limited at this time, the clinical significance of this alteration remains unclear.

NM_199420.4(POLQ):c.7040G>A (p.Arg2347His)

Gene: POLQ (DNA polymerase theta; minus strand). Cytogenetic location: 3q13.33.
Variant type: single nucleotide variant.
Coding change: c.7040G>A on transcript NM_199420.4 (MANE Select); coding-DNA position 7040, G replaced by A.
Protein change: p.Arg2347His; replaces arginine 2347 with histidine.
Molecular consequence: missense variant.
Genome position (GRCh38, 1-based): chr3:121,460,162, C>T on the plus strand (G>A on the coding strand, the complement: POLQ is on the minus strand). VCF-style: chr3-121460162-C-T. GRCh37 (hg19) VCF-style: chr3-121179009-C-T.
Other names: short protein forms R2347H.
Identifiers: ClinVar variation 2449069 (VCV002449069.2), dbSNP rs143352658, ClinGen allele CA2562280.